The following is an entry in ClinVar:

ClinVar aggregate classification (germline): Uncertain significance (1 of 4 stars; one submission).

Conditions:
Hereditary cancer-predisposing syndrome. Also called: Hereditary neoplastic syndrome; Neoplastic Syndromes, Hereditary; Tumor predisposition; Hereditary Cancer Syndrome. Identifiers: Orphanet 140162, MedGen C0027672, MeSH D009386, MONDO:0015356.

Submission:

Ambry Genetics
Classification: Uncertain significance for Hereditary cancer-predisposing syndrome. Last evaluated: 2025-03-07. Review status: criteria provided, single submitter. Criteria: Ambry Variant Classification Scheme 2023. Collection method: clinical testing. Allele origin: germline.
Comment: The p.N559K variant (also known as c.1677T>A), located in coding exon 9 of the DICER1 gene, results from a T to A substitution at nucleotide position 1677. The asparagine at codon 559 is replaced by lysine, an amino acid with similar properties. This amino acid position is conserved. In addition, this alteration is predicted to be tolerated by in silico analysis. Based on the available evidence, the clinical significance of this variant remains unclear.

NM_177438.3(DICER1):c.1677T>A (p.Asn559Lys)

Gene: DICER1 (dicer 1, ribonuclease III; minus strand). Cytogenetic location: 14q32.13.
Variant type: single nucleotide variant.
Coding change: c.1677T>A on transcript NM_177438.3 (MANE Select); coding-DNA position 1677, T replaced by A.
Protein change: p.Asn559Lys; replaces asparagine 559 with lysine.
Molecular consequence: missense variant. On other transcripts: 5 prime UTR variant (1), non-coding transcript variant (6).
Genome position (GRCh38, 1-based): chr14:95,116,528, A>T on the plus strand (T>A on the coding strand, the complement: DICER1 is on the minus strand). VCF-style: chr14-95116528-A-T. GRCh37 (hg19) VCF-style: chr14-95582865-A-T.
Other names: c.1395T>A, p.Asn465Lys (NM_001395686.1); c.1272T>A, p.Asn424Lys (NM_001395687.1, NM_001395688.1, NM_001395689.1 and 3 more transcripts); c.1110T>A, p.Asn370Lys (NM_001395691.1); c.1677T>A, p.Asn559Lys (NM_001395693.1, NM_001395692.1, NM_001395694.1 and 12 more transcripts); c.-7T>A (NM_001395697.1); short protein forms N370K, N424K, N559K, N465K.
Identifiers: ClinVar variation 3840057 (VCV003840057.1).